The following is an entry in ClinVar:

ClinVar aggregate classification (germline): Pathogenic. Review status: criteria provided, multiple submitters, no conflicts (2 of 4 stars). 8 submissions from 8 submitters: Pathogenic (5). 3 of the submissions do not count toward it. Last evaluated 2025-03-04.

Conditions:
Stuve-Wiedemann syndrome (STWS). Also called: Stüve-Wiedemann syndrome. Identifiers: Orphanet 3206, MedGen C0796176, MONDO:0031280.
Stüve-Wiedemann syndrome 1. Also called: STUVE-WIEDEMANN/SCHWARTZ-JAMPEL TYPE 2 SYNDROME. Identifiers: Orphanet 3206, MedGen C5676888, MONDO:0800043, OMIM 601559.

Allele frequency attached by ClinVar (database versions not stated): gnomAD exomes below 0.00001.

Submissions (8):

3billion
Classification: Pathogenic for Stüve-Wiedemann syndrome 1. Last evaluated: 2025-03-04. Review status: criteria provided, single submitter. Criteria: ACMG Guidelines, 2015. Collection method: clinical testing. Allele origin: germline. Affected: yes.
Comment: The variant is observed at an extremely low frequency in the gnomAD v4.1.0 dataset (total allele frequency: <0.001%). Predicted Consequence/Location: Frameshift: predicted to result in a loss or disruption of normal protein function through nonsense-mediated decay (NMD) or protein truncation. Multiple pathogenic variants are reported downstream of the variant. The variant has been reported at least twice as pathogenic with clinical assertions and evidence for the classification (ClinVar ID: VCV000281444 /PMID: 14740318). Therefore, this variant is classified as Pathogenic according to the recommendation of ACMG/AMP guideline.

Dubai Health Genomic Medicine Center, Dubai Health
Classification: Pathogenic for Stuve-Wiedemann syndrome/Schwartz-Jampel type 2 syndrome. Last evaluated: 2024-10-04. Review status: criteria provided, single submitter. Criteria: ACMG Guidelines, 2015. Collection method: research. Allele origin: germline. Affected: yes.
Comment: PVS1,PM3(strong),PM2

GeneDx
Classification: Pathogenic. Last evaluated: 2022-11-08. Review status: criteria provided, single submitter. Criteria: GeneDx Variant Classification Process June 2021. Collection method: clinical testing. Allele origin: germline. Affected: yes.
Comment: Frameshift variant predicted to result in protein truncation or nonsense mediated decay in a gene for which loss-of-function is a known mechanism of disease; Not observed at significant frequency in large population cohorts (gnomAD); This variant is associated with the following publications: (PMID: 14740318)

Labcorp Genetics (formerly Invitae), Labcorp
Classification: Pathogenic. Last evaluated: 2019-09-10. Review status: criteria provided, single submitter. Criteria: Invitae Variant Classification Sherloc (09022015). Collection method: clinical testing. Allele origin: germline.
Comment: For these reasons, this variant has been classified as Pathogenic. Loss-of-function variants in LIFR are known to be pathogenic (PMID: 14740318). This variant has been observed in several individuals affected with Stuve-Wiedemann syndrome (PMID: 14740318). ClinVar contains an entry for this variant (Variation ID: 281444). This variant is not present in population databases (ExAC no frequency). This sequence change creates a premature translational stop signal (p.Glu219Glyfs*3) in the LIFR gene. It is expected to result in an absent or disrupted protein product.

Eurofins Ntd Llc (ga)
Classification: Pathogenic. Last evaluated: 2015-06-19. Review status: criteria provided, single submitter. Criteria: EGL Classification Definitions. Collection method: clinical testing. Allele origin: germline. Observed: 1 variant allele, 1 homozygote.

Clinical Laboratory Sciences Program (CLSP), King Saud bin Abdulaziz University for Health Sciences (KSAU-HS)
Classification: Pathogenic for Stüve-Wiedemann syndrome 1. Last evaluated: 2023-04-01. Review status: no assertion criteria provided. Collection method: clinical testing. Allele origin: germline. Affected: yes. Not counted in ClinVar's aggregate classification.

Department of Genetics, Sultan Qaboos University Hospital
Classification: Pathogenic for Stüve-Wiedemann syndrome 1. Last evaluated: 2017-12-30. Review status: no assertion criteria provided. Collection method: curation. Allele origin: unknown. Affected: yes. Not counted in ClinVar's aggregate classification.

OMIM
Classification: Pathogenic for STUVE-WIEDEMANN SYNDROME 1. Last evaluated: 2004-02-01. Review status: no assertion criteria provided. Collection method: literature only. Allele origin: germline. Not counted in ClinVar's aggregate classification.

Literature cited by the submitters: PubMed 14740318 (cited by 3 submitters).

NM_001127671.2(LIFR):c.653dup (p.Glu219fs)

Gene: LIFR (LIF receptor subunit alpha; minus strand). Cytogenetic location: 5p13.1.
Variant type: Duplication.
Coding change: c.653dup on transcript NM_001127671.2 (MANE Select); coding-DNA position 653, one base duplicated (T; older notation c.653dupT).
Protein change: p.Glu219fs; shifts the reading frame from glutamic acid 219.
Molecular consequence: frameshift variant.
Genome position (GRCh38, 1-based): chr5:38,511,873, A duplicated on the plus strand (T on the coding strand, the reverse complement: LIFR is on the minus strand). VCF-style (leftmost placement, unchanged base first): chr5-38511872-C-CA. GRCh37 (hg19) VCF-style: chr5-38511974-C-CA.
Other names: c.653dup, p.Glu219fs (NM_001364297.2, NM_001364298.2, NM_002310.6); short protein forms E219fs.
Identifiers: ClinVar variation 281444 (VCV000281444.38), dbSNP rs886042160, ClinGen allele CA10603880.